The following is an entry in ClinVar:

NM_001079843.3(CASZ1):c.3868+6G>A

Gene: CASZ1 (castor zinc finger 1; minus strand). Cytogenetic location: 1p36.22.
Variant type: single nucleotide variant.
Coding change: c.3868+6G>A on transcript NM_001079843.3 (MANE Select); 6 bases into the intron after coding-DNA position 3868, G replaced by A.
Molecular consequence: intron variant.
Genome position (GRCh38, 1-based): chr1:10,644,911, C>T on the plus strand (G>A on the coding strand, the complement: CASZ1 is on the minus strand). VCF-style: chr1-10644911-C-T. GRCh37 (hg19) VCF-style: chr1-10704968-C-T.
Identifiers: ClinVar variation 774575 (VCV000774575.32), dbSNP rs115739667, ClinGen allele CA584377.

ClinVar aggregate classification (germline): Benign/Likely benign. Review status: criteria provided, multiple submitters, no conflicts (2 of 4 stars). 4 submissions from 4 submitters: Benign (3); Likely benign (1). Last evaluated 2026-09-01.

Allele frequency attached by ClinVar (database versions not stated): 1000 Genomes Project 30x 0.00453; 1000 Genomes Project 0.00479; gnomAD 0.00743; gnomAD exomes 0.00746 and 0.01121; ExAC 0.00760; TOPMed 0.00774; ESP Exome Variant Server 0.00842.
gnomAD v4.1: 17,451 of 1,610,456 alleles (1.1%); highest among the groups gnomAD compares: Middle Eastern, 2.1%; 122 homozygotes.

Submissions (4):

CeGaT Center for Human Genetics Tuebingen
Classification: Benign. Last evaluated: 2026-09-01. Review status: criteria provided, single submitter. Criteria: CeGaT Center For Human Genetics Tuebingen Variant Classification Criteria Version 2. Collection method: clinical testing. Allele origin: germline. Affected: yes. Observed: 20 variant alleles.
Comment: CASZ1: BP4, BS1, BS2

Labcorp Genetics (formerly Invitae), Labcorp
Classification: Benign. Last evaluated: 2026-01-26. Review status: criteria provided, single submitter. Criteria: Invitae Variant Classification Sherloc (09022015). Collection method: clinical testing. Allele origin: germline.

Genomic Medicine Center of Excellence, King Faisal Specialist Hospital and Research Centre
Classification: Likely benign. Last evaluated: 2025-08-18. Review status: criteria provided, single submitter. Criteria: ACMG Guidelines, 2015. Collection method: clinical testing. Allele origin: germline.

Breakthrough Genomics
Classification: Benign. Review status: criteria provided, single submitter. Criteria: ACMG Guidelines, 2015. Collection method: not provided. Allele origin: germline. Inheritance: Unknown mechanism. Affected: yes.